The following is an entry in ClinVar:

NM_213655.5(WNK1):c.2529G>C (p.Gln843His)

Gene: WNK1 (WNK lysine deficient protein kinase 1; plus strand). Cytogenetic location: 12p13.33.
Variant type: single nucleotide variant.
Coding change: c.2529G>C on transcript NM_213655.5 (MANE Plus Clinical); coding-DNA position 2529, G replaced by C.
Protein change: p.Gln843His; replaces glutamine 843 with histidine.
Molecular consequence: missense variant. On other transcripts: intron variant (2).
Genome position (GRCh38, 1-based): chr12:868,000, G>C. VCF-style: chr12-868000-G-C. GRCh37 (hg19) VCF-style: chr12-977166-G-C.
Other names: c.2274G>C, p.Gln758His (NM_001184985.2); c.2140-3265G>C (NM_018979.4, NM_014823.3); short protein forms Q758H, Q843H.
Identifiers: ClinVar variation 1792635 (VCV001792635.3), dbSNP rs1468150183, ClinGen allele CA383339017.

ClinVar aggregate classification (germline): Uncertain significance. Review status: criteria provided, multiple submitters, no conflicts (2 of 4 stars). 2 submissions from 2 submitters: Uncertain significance (2). Last evaluated 2025-12-26.

Conditions:
Pseudohypoaldosteronism type 2C (PHA2C). Also called: Pseudohypoaldosteronism Type IIC. Identifiers: Orphanet 757, Orphanet 88940, MedGen C1840391, MONDO:0013778, OMIM 614492.
Neuropathy, hereditary sensory and autonomic, type 2A (HSAN2A). Also called: ACROOSTEOLYSIS, GIACCAI TYPE; ACROOSTEOLYSIS, NEUROGENIC; MORVAN DISEASE; NEUROPATHY, CONGENITAL SENSORY; NEUROPATHY, HEREDITARY SENSORY RADICULAR, AUTOSOMAL RECESSIVE; HSAN IIA. Identifiers: Orphanet 970, MedGen C2752089, MONDO:0024309, OMIM 201300.
Inborn genetic diseases. Identifiers: MedGen C0950123, MeSH D030342.

Allele frequency attached by ClinVar (database versions not stated): gnomAD exomes 0.00001.
gnomAD v4.1: 3 of 1,613,912 alleles (0.00019%); highest among the groups gnomAD compares: Admixed American, 0.005%; no homozygotes.

Submissions (2):

Labcorp Genetics (formerly Invitae), Labcorp
Classification: Uncertain significance for Neuropathy, hereditary sensory and autonomic, type 2A; Pseudohypoaldosteronism type 2C. Last evaluated: 2025-12-26. Review status: criteria provided, single submitter. Criteria: Invitae Variant Classification Sherloc (09022015). Collection method: clinical testing. Allele origin: germline.
Comment: This sequence change replaces glutamine, which is neutral and polar, with histidine, which is basic and polar, at codon 843 of the WNK1 protein (p.Gln843His). This variant is present in population databases (no rsID available, gnomAD 0.009%). This variant has not been reported in the literature in individuals affected with WNK1-related conditions. ClinVar contains an entry for this variant (Variation ID: 1792635). Invitae Evidence Modeling of protein sequence and biophysical properties (such as structural, functional, and spatial information, amino acid conservation, physicochemical variation, residue mobility, and thermodynamic stability) indicates that this missense variant is not expected to disrupt WNK1 protein function with a negative predictive value of 95%. In summary, the available evidence is currently insufficient to determine the role of this variant in disease. Therefore, it has been classified as a Variant of Uncertain Significance.

Ambry Genetics
Classification: Uncertain significance for Inborn genetic diseases. Last evaluated: 2022-07-01. Review status: criteria provided, single submitter. Criteria: Ambry Variant Classification Scheme 2023. Collection method: clinical testing. Allele origin: germline.
Comment: The p.Q843H variant (also known as c.2529G>C), located in coding exon 10 of the WNK1 gene, results from a G to C substitution at nucleotide position 2529. The glutamine at codon 843 is replaced by histidine, an amino acid with highly similar properties. This amino acid position is highly conserved in available vertebrate species. In addition, the in silico prediction for this alteration is inconclusive. Since supporting evidence is limited at this time, the clinical significance of this alteration remains unclear.